The following is an entry in ClinVar:

NM_139321.3(ATRN):c.1270T>C (p.Phe424Leu)

Gene: ATRN (attractin; plus strand). Cytogenetic location: 20p13.
Variant type: single nucleotide variant.
Coding change: c.1270T>C on transcript NM_139321.3 (MANE Select); coding-DNA position 1270, T replaced by C.
Protein change: p.Phe424Leu; replaces phenylalanine 424 with leucine.
Molecular consequence: missense variant.
Genome position (GRCh38, 1-based): chr20:3,560,728, T>C. VCF-style: chr20-3560728-T-C. GRCh37 (hg19) VCF-style: chr20-3541375-T-C.
Other names: c.1270T>C (NM_139321.2); c.922T>C, p.Phe308Leu (NM_001207047.3); c.1270T>C, p.Phe424Leu (NM_001323332.2, NM_139322.4); short protein forms F308L, F424L.
Identifiers: ClinVar variation 2040631 (VCV002040631.7), dbSNP rs762308546, ClinGen allele CA9744014.

ClinVar aggregate classification (germline): Uncertain significance. Review status: criteria provided, multiple submitters, no conflicts (2 of 4 stars). 2 submissions from 2 submitters: Uncertain significance (2). Last evaluated 2025-10-22.

Allele frequency attached by ClinVar (database versions not stated): ExAC 0.00001; gnomAD exomes 0.00001; gnomAD 0.00003; TOPMed 0.00004.
gnomAD v4.1: 46 of 1,613,874 alleles (0.0029%); highest among the groups gnomAD compares: East Asian, 0.016%; 1 homozygote.

Submissions (2):

Ambry Genetics
Classification: Uncertain significance. Last evaluated: 2025-10-22. Review status: criteria provided, single submitter. Criteria: Ambry Variant Classification Scheme 2023. Collection method: clinical testing. Allele origin: germline.

Labcorp Genetics (formerly Invitae), Labcorp
Classification: Uncertain significance. Last evaluated: 2025-06-11. Review status: criteria provided, single submitter. Criteria: Invitae Variant Classification Sherloc (09022015). Collection method: clinical testing. Allele origin: germline.
Comment: This sequence change replaces phenylalanine, which is neutral and non-polar, with leucine, which is neutral and non-polar, at codon 424 of the ATRN protein (p.Phe424Leu). This variant is present in population databases (rs762308546, gnomAD 0.02%). This variant has not been reported in the literature in individuals affected with ATRN-related conditions. ClinVar contains an entry for this variant (Variation ID: 2040631). An algorithm developed to predict the effect of missense changes on protein structure and function (PolyPhen-2) suggests that this variant is likely to be tolerated. In summary, the available evidence is currently insufficient to determine the role of this variant in disease. Therefore, it has been classified as a Variant of Uncertain Significance.